The following is an entry in ClinVar:

NM_007294.4(BRCA1):c.3415AGT[1] (p.Ser1140del)

Genes: BRCA1 (BRCA1 DNA repair associated; minus strand), LOC126862571 (BRD4-independent group 4 enhancer GRCh37_chr17:41243136-41244335; plus strand). Cytogenetic location: 17q21.31.
Variant type: Microsatellite.
Coding change: c.3415AGT[1] on transcript NM_007294.4 (MANE Select); one copy of the 3-base unit AGT starting at c.3415; the reference has two copies in a row; one copy, 3 bases deleted; also written c.3418_3420del.
Protein change: p.Ser1140del; deletes serine 1140.
Molecular consequence: inframe deletion. On other transcripts: inframe indel (2), intron variant (135).
Genome position (GRCh38, 1-based): chr17:43,092,111-43,092,113, ACT deleted on the plus strand (AGT on the coding strand, the reverse complement: BRCA1 is on the minus strand); deleting any 3 consecutive bases within chr17:43,092,111-43,092,116 gives the same sequence; the position shown is the placement nearest the transcript's 3' end. VCF-style (leftmost placement, unchanged base first): chr17-43092110-GACT-G. GRCh37 (hg19) VCF-style: chr17-41244127-GACT-G.
Other names: c.3418_3420delAGT (NM_007294.3, NM_007294.4); c.3418_3420del (NM_007294.3, NM_007294.4); c.3415AGT[1], p.Ser1140del (NM_001407642.1, NM_001407652.1, NM_001407684.1 and 30 more transcripts); c.3412AGT[1], p.Ser1139del (NM_001407644.1, NM_001407645.1, NM_001407860.1 and 22 more transcripts); c.3406AGT[1], p.Ser1137del (NM_001407646.1, NM_001407647.1); c.3292AGT[1], p.Ser1099del (NM_001407648.1, NM_001407664.1, NM_001407665.1 and 19 more transcripts); c.3289AGT[1], p.Ser1098del (NM_001407649.1, NM_001407670.1, NM_001407671.1 and 11 more transcripts); c.3337AGT[1], p.Ser1114del (NM_001407653.1, NM_001407654.1, NM_001407655.1 and 4 more transcripts); and 43 more; short protein forms S1140del, S1093del, S1028del, S1029del, S1051del, S1070del, S1092del, S1098del.
Identifiers: ClinVar variation 54876 (VCV000054876.60), dbSNP rs80358337, ClinGen allele CA002211.
Genomic context (GRCh38, chr17:43,092,110, plus strand): 5'-CCTTTATTTCACCATCATCTAACAGGTCATCAGGTGTCTCAGAACAAACCTGAGATGCAT[GACT>G]ACTTCCCATAGGCTGTTCTAAGTTATCTGAAATCAGATATGGAGAGAAATCTGTATTAAC-3'

ClinVar aggregate classification (germline): Conflicting classifications of pathogenicity. Review status: criteria provided, conflicting classifications (1 of 4 stars). 14 submissions from 13 submitters: Uncertain significance (3); Likely benign (7). 4 of the submissions do not count toward it. Last evaluated 2026-02-01.

Conditions:
Fanconi anemia, complementation group S (FANCS). Identifiers: MedGen C4554406, MONDO:0054748, OMIM 617883.
Breast-ovarian cancer, familial, susceptibility to, 1 (BROVCA1). Also called: BRCA1 Hereditary Breast and Ovarian Cancer; OVARIAN CANCER, SUSCEPTIBILITY TO. Identifiers: Orphanet 145, MedGen C2676676, MONDO:0011450, OMIM 604370. Disease mechanism: loss of function.
Familial cancer of breast. Also called: BREAST CANCER, FAMILIAL; hereditary breast carcinoma; Hereditary breast cancer. Identifiers: Orphanet 227535, MedGen C0346153, MONDO:0016419, OMIM 114480. Disease mechanism: loss of function.
Hereditary cancer-predisposing syndrome. Also called: Hereditary Cancer Syndrome; Tumor predisposition; Neoplastic Syndromes, Hereditary; Hereditary neoplastic syndrome. Identifiers: Orphanet 140162, MedGen C0027672, MeSH D009386, MONDO:0015356.
Hereditary breast ovarian cancer syndrome. Also called: Breast and ovarian cancer; BRCA1- and BRCA2-Associated Hereditary Breast and Ovarian Cancer; Hereditary breast and ovarian cancer; Hereditary breast and ovarian cancer syndrome (HBOC); Hereditary breast and ovarian cancer syndrome; Hereditary breast and/or ovarian cancer syndrome. Identifiers: Orphanet 145, MedGen C0677776, MeSH D061325, MONDO:0003582. Disease mechanism: loss of function.
Malignant tumor of breast. Also called: Malignant breast neoplasm; Cancer breast. Identifiers: MedGen C0006142, MONDO:0007254. Disease mechanism: loss of function.

Submissions (14):

CeGaT Center for Human Genetics Tuebingen
Classification: Likely benign. Last evaluated: 2026-02-01. Review status: criteria provided, single submitter. Criteria: CeGaT Center For Human Genetics Tuebingen Variant Classification Criteria Version 2. Collection method: clinical testing. Allele origin: germline. Affected: yes. Observed: 2 variant alleles.
Comment: BRCA1: PM2:Supporting, PM4:Supporting, BP4, BS3:Moderate

Labcorp Genetics (formerly Invitae), Labcorp
Classification: Likely benign for Hereditary breast ovarian cancer syndrome. Last evaluated: 2026-01-07. Review status: criteria provided, single submitter. Criteria: Invitae Variant Classification Sherloc (09022015). Collection method: clinical testing. Allele origin: germline.

Women's Health and Genetics/Laboratory Corporation of America, LabCorp
Classification: Likely benign. Last evaluated: 2024-05-30. Review status: criteria provided, single submitter. Criteria: LabCorp Variant Classification Summary - May 2015. Collection method: clinical testing. Allele origin: germline.
Comment: Variant summary: BRCA1 c.3418_3420delAGT (p.Ser1140del) results in an in-frame deletion that is predicted to remove one amino acid from the encoded protein. The variant allele was found at a frequency of 1.4e-05 in 1613928 control chromosomes. This frequency is not significantly higher than estimated for a pathogenic variant in BRCA1 causing Hereditary Breast And Ovarian Cancer Syndrome (1.4e-05 vs 0.001), allowing no conclusion about variant significance. c.3418_3420delAGT has been reported in the literature as a VUS in individual(s) affected with- or at risk for Hereditary Breast and Ovarian Cancer (Judkins 2005). Furthermore, it has been reported in a family affected with cutaneous malignant melanoma, where it was determined not to co-segregate with the disease (Goldstein 2017). These report(s) do not provide unequivocal conclusions about association of the variant with Hereditary Breast And Ovarian Cancer Syndrome. At-least one co-occurrence with another pathogenic variant(s) has been reported in the BIC database (BRCA1 c.5263_5264insC, p.Ser1755?fs), providing supporting evidence for a benign role. At least one publication reports experimental evidence evaluating an impact on protein function (Bouwman_2020). These results showed no damaging effect of this variant on Homologous recombination DNA repair (HRR) by their ability to complement Brca1-deficient mouse embryonic stem cells in HRR, using cisplatin and olaparib sensitivity assays and a direct repeat GFP (DR-GFP) HRR assay. HDR assays qualify as a recognized gold standard on the basis of updated guidance provided by the ClinGen Sequence Variant Interpretation (SVI) working group. This working group has recommended strong functional evidence (ACMG BS3) as sufficient weightage for categorization as likely benign (Tavtigian_2018). The following publications have been ascertained in the context of this evaluation (PMID: 16267036, 19941162, 29036293, 32546644). ClinVar contains an entry for this variant (Variation ID: 54876). Based on the evidence outlined above, the variant was classified as likely benign.

Quest Diagnostics Nichols Institute San Juan Capistrano
Classification: Likely benign. Last evaluated: 2023-11-10. Review status: criteria provided, single submitter. Criteria: Quest Diagnostics criteria. Collection method: clinical testing. Allele origin: unknown.

Sema4
Classification: Uncertain significance for Hereditary cancer-predisposing syndrome. Last evaluated: 2022-03-15. Review status: criteria provided, single submitter. Criteria: Sema4 Curation Guidelines. Collection method: curation. Allele origin: germline.
Comment: The BRCA1 c.3418_3420delAGT (p.S1140del) variant has been reported in one individual with cutaneous malignant melanoma and one individual with breast cancer who had another deleterious variant in BRCA1 (PMID 16267036, 29036293). This variant causes in-frame deletion of a serine residue at position 1140 of the BRCA1 protein. This variant was observed in 6/129040 chromosomes of the non-Finnish European population in the Genome Aggregation Database (PMID 32461654). The variant has been reported in ClinVar (Variation ID 54876). Functional studies have not been performed, and in silico predictions of the variant's effect on protein function are not available. A missense change at the deleted serine residue (c.3419G>T, p.S1140I) has been reported in both individuals with breast cancer and healthy controls tested for BRCA1/2 variants (PMID 25896959, 30702160, 30287823), and it is uncertain whether this serine residue is essential for normal protein function. The evidence is insufficient to meet ACMG/AMP criteria for classifying the p.S1140del variant as benign or pathogenic. Based on the current evidence available, this variant is interpreted as a variant of uncertain significance.

Institute of Human Genetics, University of Leipzig Medical Center
Classification: Uncertain significance for Breast-ovarian cancer, familial, susceptibility to, 1. Last evaluated: 2019-01-01. Review status: criteria provided, single submitter. Criteria: ACMG Guidelines, 2015. Collection method: clinical testing. Allele origin: unknown. Affected: yes.

Ambry Genetics
Classification: Likely benign for Hereditary cancer-predisposing syndrome. Last evaluated: 2018-07-25. Review status: criteria provided, single submitter. Criteria: Ambry Variant Classification Scheme 2023. Collection method: clinical testing. Allele origin: germline.

GeneDx
Classification: Likely benign. Last evaluated: 2018-01-25. Review status: criteria provided, single submitter. Criteria: GeneDx Variant Classification (06012015). Collection method: clinical testing. Allele origin: germline. Affected: yes.
Comment: This variant is considered likely benign or benign based on one or more of the following criteria: it is a conservative change, it occurs at a poorly conserved position in the protein, it is predicted to be benign by multiple in silico algorithms, and/or has population frequency not consistent with disease.

Department of Pathology and Laboratory Medicine, Sinai Health System
Classification: Uncertain significance for Familial cancer of breast; Breast-ovarian cancer, familial, susceptibility to, 1; Fanconi anemia, complementation group S. Last evaluated: 2017-05-18. Review status: criteria provided, single submitter. Criteria: ACMG Guidelines, 2015. Collection method: clinical testing. Allele origin: germline. Affected: yes.

Color Diagnostics, LLC DBA Color Health
Classification: Likely benign for Hereditary cancer-predisposing syndrome. Last evaluated: 2015-07-29. Review status: criteria provided, single submitter. Criteria: ACMG Guidelines, 2015. Collection method: clinical testing. Allele origin: germline.

Department of Medical and Surgical Sciences, University of Bologna
Classification: Benign for Breast-ovarian cancer, familial, susceptibility to, 1. Last evaluated: 2023-09-01. Review status: no assertion criteria provided. Collection method: clinical testing. Allele origin: germline. Affected: yes. Not counted in ClinVar's aggregate classification.
Comment: BS3(Strong)+BP1(Strong) according to ACMG/AMP classification guidelines specified for BRCA1 & BRCA2 (Classification Criteria V1.0.0 2023-09-08) (PMID: 38160042)

Counsyl
Classification: Uncertain significance for Breast-ovarian cancer, familial, susceptibility to, 1. Last evaluated: 2016-06-14. Review status: no assertion criteria provided. Collection method: clinical testing. Allele origin: unknown. Not counted in ClinVar's aggregate classification.

Breast Cancer Information Core (BIC) (BRCA1)
Classification: Uncertain significance for Breast-ovarian cancer, familial 1. Last evaluated: 2004-02-20. Review status: no assertion criteria provided. Collection method: clinical testing. Allele origin: germline. Affected: yes. Observed: 3 variant alleles. Not counted in ClinVar's aggregate classification.

Department of Pathology and Laboratory Medicine, Sinai Health System
Classification: Uncertain significance for Malignant tumor of breast. Review status: no assertion criteria provided. Collection method: clinical testing. Allele origin: unknown. Affected: yes. Study: The Canadian Open Genetics Repository (COGR). Not counted in ClinVar's aggregate classification.
Comment: The BRCA1 p.Ser1140del variant was not identified in the GeneInsight-COGR, Cosmic, MutDB, ARUP Laboratories, Zhejiang Colon Cancer Database, databases. The variant was identified in dbSNP (ID: rs80358337) as â€šÃ„ÃºWith Uncertain significance alleleâ€šÃ„Ã¹; in ClinVar as likely benign by Invitae, Ambry Genetics and GeneDx, and with uncertain Significance by Counsyl and Breast Cancer Information Core. The variant was further identified in LOVD 3.0 4X with unknown significance, in UMD-LSDB database 3X as UV with no co-occurrence, in BIC Database 3X with unknown clinical significance with pending clinical classification. The variant was not identified in the 1000 Genomes Project, the NHLBI GO Exome Sequencing Project or the Exome Aggregation Consortium (August 8th 2016) control databases. The p.Ser1140del variant has been found to reside in trans with known deleterious mutations. Functional studies of transgenic mice support the hypothesis that biallelic BRCA1 result in embryonic lethality. Therefore, it may be concluded that variants of unknown significance residing in trans with known deleterious mutations impart reduced risk for cancer (Judkins 2005). This variant is an in-frame deletion resulting in the removal of a serine residue at codon 1140; the impact of this alteration on BRCA1 protein function is not known. The variant occurs outside of the splicing consensus sequence and in silico or computational prediction software programs (SpliceSiteFinder, MaxEntScan, NNSPLICE, GeneSplicer, HumanSpliceFinder) do not predict a difference in splicing. The variant is located with the Breast cancer type 1 susceptibility protein BRCA1 functional domain increasing the likelihood that it may have clinical significance. In summary, based on the above information, the clinical significance of this variant cannot be determined with certainty at this time. This variant is classified as a variant of uncertain significance.

Literature cited by the submitters: PubMed 16267036 (cited by 5 submitters); PubMed 19941162 (cited by Women's Health and Genetics/Laboratory Corporation of America, LabCorp); PubMed 29036293 (cited by Women's Health and Genetics/Laboratory Corporation of America, LabCorp and Sema4); PubMed 32546644 (cited by Women's Health and Genetics/Laboratory Corporation of America, LabCorp); PubMed 25896959 (cited by Sema4); PubMed 30702160 (cited by Sema4); PubMed 30287823 (cited by Sema4).